The following is an entry in ClinVar:

ClinVar aggregate classification (germline): Conflicting classifications of pathogenicity. Review status: criteria provided, conflicting classifications (1 of 4 stars). 3 submissions from 3 submitters: Uncertain significance (1); Benign (1); Likely benign (1). Last evaluated 2025-11-11.

Conditions:
Deficiency of iodide peroxidase (TDH2A). Also called: IODIDE PEROXIDASE DEFICIENCY; HYPOTHYROIDISM, CONGENITAL, DUE TO DYSHORMONOGENESIS, 2A; THYROID HORMONOGENESIS, GENETIC DEFECT IN, 2A; THYROID PEROXIDASE DEFICIENCY; Thyroid dyshormonogenesis 2A. Identifiers: Orphanet 95716, MedGen C1291299, MONDO:0010133, OMIM 274500.

Allele frequency attached by ClinVar (database versions not stated): gnomAD 0.00021; TOPMed 0.00057; ExAC 0.00089; 1000 Genomes Project 0.00399.
gnomAD v4.1: 296 of 1,547,866 alleles (0.019%); highest among the groups gnomAD compares: East Asian, 0.61%; 3 homozygotes.

Submissions (3):

Labcorp Genetics (formerly Invitae), Labcorp
Classification: Benign. Last evaluated: 2025-11-11. Review status: criteria provided, single submitter. Criteria: Invitae Variant Classification Sherloc (09022015). Collection method: clinical testing. Allele origin: germline.

Women's Health and Genetics/Laboratory Corporation of America, LabCorp
Classification: Likely benign. Last evaluated: 2023-06-19. Review status: criteria provided, single submitter. Criteria: LabCorp Variant Classification Summary - May 2015. Collection method: clinical testing. Allele origin: germline.
Comment: Variant summary: TPO c.1082G>T (p.Arg361Leu) results in a non-conservative amino acid change in the encoded protein sequence. Three of five in-silico tools predict a benign effect of the variant on protein function. The variant allele was found at a frequency of 0.00068 in 179872 control chromosomes (gnomAD), predominantly at a frequency of 0.0093 within the East Asian subpopulation in the gnomAD database, including 2 homozygotes. The observed variant frequency within East Asian control individuals in the gnomAD database is approximately 1.3 fold of the estimated maximal expected allele frequency for a pathogenic variant in TPO causing Deficiency Of Iodide Peroxidase (0.0071), suggesting that the variant is a benign polymorphism found primarily in populations of East Asian origin. c.1082G>T has been reported in the literature in individuals affected with Congenital Hypothyroidism (e.g. Yoshizawa-Ogasawara_2016, Long_2018, Wang_FrontierEndo_2020, Wang_Mol Med Rep_2020, Huang_2021, Wang_2021). These reports do not provide unequivocal conclusions about association of the variant with Deficiency Of Iodide Peroxidase. When expressed in HEK293 cells, the variant was shown to have ~20% residual activity compared to cells expressing WT TPO (Yoshizawa-Ogasawara_2016). The following publications have been ascertained in the context of this evaluation (PMID: 34276565, 30022773, 32425884, 35002963, 32319661, 26565538). Two ClinVar submitters have assessed the variant since 2014: one classified the variant as uncertain significance and one as benign. Based on the evidence outlined above, the variant was classified as likely benign.

Illumina Laboratory Services, Illumina
Classification: Uncertain significance for Deficiency of iodide peroxidase. Last evaluated: 2017-06-23. Review status: criteria provided, single submitter. Criteria: ICSL Variant Classification Criteria 13 December 2019. Collection method: clinical testing. Allele origin: germline.
Comment: This variant was observed as part of a predisposition screen in an ostensibly healthy population. A literature search was performed for the gene, cDNA change, and amino acid change (where applicable). Publications were found based on this search. However, the evidence from the literature, in combination with allele frequency data from public databases where available, was not sufficient to rule this variant in or out of causing disease. Therefore, this variant is classified as a variant of unknown significance.

Literature cited by the submitters: PubMed 32425884 (cited by Women's Health and Genetics/Laboratory Corporation of America, LabCorp); PubMed 32319661 (cited by Women's Health and Genetics/Laboratory Corporation of America, LabCorp); PubMed 30022773 (cited by Women's Health and Genetics/Laboratory Corporation of America, LabCorp); PubMed 35002963 (cited by Women's Health and Genetics/Laboratory Corporation of America, LabCorp); PubMed 34276565 (cited by Women's Health and Genetics/Laboratory Corporation of America, LabCorp); PubMed 26565538 (cited by Women's Health and Genetics/Laboratory Corporation of America, LabCorp and Illumina Laboratory Services, Illumina).

NM_001206744.2(TPO):c.1082G>T (p.Arg361Leu)

Gene: TPO (thyroid peroxidase; plus strand). Cytogenetic location: 2p25.3.
Variant type: single nucleotide variant.
Coding change: c.1082G>T on transcript NM_001206744.2 (MANE Select); coding-DNA position 1082, G replaced by T.
Protein change: p.Arg361Leu; replaces arginine 361 with leucine.
Molecular consequence: missense variant. On other transcripts: intron variant (1).
Genome position (GRCh38, 1-based): chr2:1,477,348, G>T. VCF-style: chr2-1477348-G-T. GRCh37 (hg19) VCF-style: chr2-1481120-G-T.
Other names: c.1082G>T, p.Arg361Leu (NM_000547.6, NM_001206745.2, NM_175719.4 and 1 more transcripts); c.820-7248G>T (NM_175722.3); short protein forms R361L.
Identifiers: ClinVar variation 714471 (VCV000714471.12), dbSNP rs201781919, ClinGen allele CA1511654.